The following is an entry in ClinVar:

NM_001365951.3(KIF1B):c.5145C>G (p.Tyr1715Ter)

Gene: KIF1B (kinesin family member 1B; plus strand). Cytogenetic location: 1p36.22.
Variant type: single nucleotide variant.
Coding change: c.5145C>G on transcript NM_001365951.3 (MANE Select); coding-DNA position 5145, C replaced by G.
Protein change: p.Tyr1715Ter; replaces tyrosine 1715 with a stop codon.
Molecular consequence: nonsense.
Genome position (GRCh38, 1-based): chr1:10,374,902, C>G. VCF-style: chr1-10374902-C-G. GRCh37 (hg19) VCF-style: chr1-10434960-C-G.
Other names: c.5145C>G, p.Tyr1715Ter (NM_001365952.1); c.5007C>G, p.Tyr1669Ter (NM_015074.3); short protein forms Y1669*, Y1715*.
Identifiers: ClinVar variation 3226531 (VCV003226531.1), dbSNP rs2521982376, ClinGen allele CA338330461.

ClinVar aggregate classification (germline): Uncertain significance (1 of 4 stars; one submission).

Submission:

Ambry Genetics
Classification: Uncertain significance. Last evaluated: 2024-01-12. Review status: criteria provided, single submitter. Criteria: Ambry Variant Classification Scheme 2023. Collection method: clinical testing. Allele origin: germline.
Comment: The p.Y1669* variant (also known as c.5007C>G), located in coding exon 44 of the KIF1B gene, results from a C to G substitution at nucleotide position 5007. This changes the amino acid from a tyrosine to a stop codon within coding exon 44. This alteration is expected to result in loss of function by premature protein truncation or nonsense-mediated mRNA decay. The evidence for this gene-disease relationship is limited; therefore, the clinical significance of this alteration is unclear.